The following is an entry in ClinVar:

ClinVar aggregate classification (germline): Uncertain significance (1 of 4 stars; one submission).

gnomAD v4.1: 1 of 1,614,012 alleles (0.000062%); highest among the groups gnomAD compares: South Asian, 0.0011%; no homozygotes.

Submission:

Labcorp Genetics (formerly Invitae), Labcorp
Classification: Uncertain significance. Last evaluated: 2025-04-23. Review status: criteria provided, single submitter. Criteria: Invitae Variant Classification Sherloc (09022015). Collection method: clinical testing. Allele origin: germline.
Comment: This sequence change replaces alanine, which is neutral and non-polar, with threonine, which is neutral and polar, at codon 152 of the PODXL protein (p.Ala152Thr). This variant is present in population databases (no rsID available, gnomAD 0.003%). This variant has not been reported in the literature in individuals affected with PODXL-related conditions. An algorithm developed to predict the effect of missense changes on protein structure and function outputs the following: PolyPhen-2: "Benign". The threonine amino acid residue is found in multiple mammalian species, which suggests that this missense change does not adversely affect protein function. In summary, the available evidence is currently insufficient to determine the role of this variant in disease. Therefore, it has been classified as a Variant of Uncertain Significance.

NM_001018111.3(PODXL):c.454G>A (p.Ala152Thr)

Gene: PODXL (podocalyxin like; minus strand). Cytogenetic location: 7q32.3.
Variant type: single nucleotide variant.
Coding change: c.454G>A on transcript NM_001018111.3 (MANE Select); coding-DNA position 454, G replaced by A.
Protein change: p.Ala152Thr; replaces alanine 152 with threonine.
Molecular consequence: missense variant.
Genome position (GRCh38, 1-based): chr7:131,511,080, C>T on the plus strand (G>A on the coding strand, the complement: PODXL is on the minus strand). VCF-style: chr7-131511080-C-T. GRCh37 (hg19) VCF-style: chr7-131195839-C-T.
Other names: c.454G>A, p.Ala152Thr (NM_005397.4); short protein forms A152T.
Identifiers: ClinVar variation 4804015 (VCV004804015.1).